The following is an entry in ClinVar:

ClinVar aggregate classification (germline): Uncertain significance. Review status: criteria provided, multiple submitters, no conflicts (2 of 4 stars). 2 submissions from 2 submitters: Uncertain significance (2). Last evaluated 2025-10-02.

Allele frequency attached by ClinVar (database versions not stated): gnomAD 0.00001; ExAC 0.00002; TOPMed 0.00001; gnomAD exomes 0.00002.
gnomAD v4.1: 6 of 1,614,116 alleles (0.00037%); highest among the groups gnomAD compares: East Asian, 0.0045%; no homozygotes.

Submissions (2):

Ambry Genetics
Classification: Uncertain significance. Last evaluated: 2025-10-02. Review status: criteria provided, single submitter. Criteria: Ambry Variant Classification Scheme 2023. Collection method: clinical testing. Allele origin: germline.
Comment: The p.D536V variant (also known as c.1607A>T), located in coding exon 10 of the GALNT12 gene, results from an A to T substitution at nucleotide position 1607. The aspartic acid at codon 536 is replaced by valine, an amino acid with highly dissimilar properties. This amino acid position is highly conserved in available vertebrate species. In addition, the in silico prediction for this alteration is inconclusive. Since supporting evidence is limited at this time, the clinical significance of this alteration remains unclear.

Labcorp Genetics (formerly Invitae), Labcorp
Classification: Uncertain significance. Last evaluated: 2023-10-13. Review status: criteria provided, single submitter. Criteria: Invitae Variant Classification Sherloc (09022015). Collection method: clinical testing. Allele origin: germline.
Comment: This sequence change replaces aspartic acid, which is acidic and polar, with valine, which is neutral and non-polar, at codon 536 of the GALNT12 protein (p.Asp536Val). This variant is present in population databases (rs749758074, gnomAD 0.01%). This variant has not been reported in the literature in individuals affected with GALNT12-related conditions. ClinVar contains an entry for this variant (Variation ID: 819633). An algorithm developed to predict the effect of missense changes on protein structure and function (PolyPhen-2) suggests that this variant is likely to be disruptive. In summary, the available evidence is currently insufficient to determine the role of this variant in disease. Therefore, it has been classified as a Variant of Uncertain Significance.

NM_024642.5(GALNT12):c.1607A>T (p.Asp536Val)

Gene: GALNT12 (polypeptide N-acetylgalactosaminyltransferase 12; plus strand). Cytogenetic location: 9q22.33.
Variant type: single nucleotide variant.
Coding change: c.1607A>T on transcript NM_024642.5 (MANE Select); coding-DNA position 1607, A replaced by T.
Protein change: p.Asp536Val; replaces aspartic acid 536 with valine.
Molecular consequence: missense variant.
Genome position (GRCh38, 1-based): chr9:98,848,953, A>T. VCF-style: chr9-98848953-A-T. GRCh37 (hg19) VCF-style: chr9-101611235-A-T.
Other names: short protein forms D536V.
Identifiers: ClinVar variation 819633 (VCV000819633.12), dbSNP rs749758074, ClinGen allele CA5154329.